The following is an entry in ClinVar:

NM_001244008.2(KIF1A):c.5227T>A (p.Phe1743Ile)

Gene: KIF1A (kinesin family member 1A; minus strand). Cytogenetic location: 2q37.3.
Variant type: single nucleotide variant.
Coding change: c.5227T>A on transcript NM_001244008.2 (MANE Select); coding-DNA position 5227, T replaced by A.
Protein change: p.Phe1743Ile; replaces phenylalanine 1743 with isoleucine.
Molecular consequence: missense variant.
Genome position (GRCh38, 1-based): chr2:240,718,156, A>T on the plus strand (T>A on the coding strand, the complement: KIF1A is on the minus strand). VCF-style: chr2-240718156-A-T. GRCh37 (hg19) VCF-style: chr2-241657573-A-T.
Other names: c.4951T>A, p.Phe1651Ile (NM_001320705.2, NM_001379649.1); c.4978T>A, p.Phe1660Ile (NM_001330289.2); c.5026T>A, p.Phe1676Ile (NM_001330290.2, NM_001379648.1); c.5302T>A, p.Phe1768Ile (NM_001379631.1); c.5203T>A, p.Phe1735Ile (NM_001379632.1); c.5200T>A, p.Phe1734Ile (NM_001379633.1, NM_001379645.1); c.5053T>A, p.Phe1685Ile (NM_001379634.1); c.5050T>A, p.Phe1684Ile (NM_001379635.1, NM_001379646.1); and 8 more; short protein forms F1630I, F1641I, F1642I, F1650I, F1651I, F1659I, F1660I, F1667I.
Identifiers: ClinVar variation 3753688 (VCV003753688.2).

ClinVar aggregate classification (germline): Uncertain significance (1 of 4 stars; one submission).

Conditions:
Neuropathy, hereditary sensory, type 2C. Also called: KIF1A-Related HSAN2 (HSAN2C); Hereditary sensory and autonomic neuropathy type IIC. Identifiers: Orphanet 970, MedGen C3280168, MONDO:0013634, OMIM 614213.
Hereditary spastic paraplegia 30. Identifiers: Orphanet 101010, MedGen C5235139, MONDO:0012476.
Intellectual disability, autosomal dominant 9 (NESCAVS). Also called: KIF1A-Related Neurodevelopmental Disorder; NESCAV SYNDROME. Identifiers: Orphanet 662367, MedGen C5393830, MONDO:0013656, OMIM 614255.

gnomAD v4.1: 1 of 1,604,488 alleles (0.000062%); highest among the groups gnomAD compares: Non-Finnish European, 0.000085%; no homozygotes.

Submission:

Labcorp Genetics (formerly Invitae), Labcorp
Classification: Uncertain significance for Hereditary spastic paraplegia 30; Neuropathy, hereditary sensory, type 2C; Intellectual disability, autosomal dominant 9. Last evaluated: 2025-08-13. Review status: criteria provided, single submitter. Criteria: Invitae Variant Classification Sherloc (09022015). Collection method: clinical testing. Allele origin: germline.
Comment: This sequence change replaces phenylalanine, which is neutral and non-polar, with isoleucine, which is neutral and non-polar, at codon 1642 of the KIF1A protein (p.Phe1642Ile). This variant is not present in population databases (gnomAD no frequency). This variant has not been reported in the literature in individuals affected with KIF1A-related conditions. ClinVar contains an entry for this variant (Variation ID: 3753688). Invitae Evidence Modeling of protein sequence and biophysical properties (such as structural, functional, and spatial information, amino acid conservation, physicochemical variation, residue mobility, and thermodynamic stability) indicates that this missense variant is not expected to disrupt KIF1A protein function with a negative predictive value of 95%. In summary, the available evidence is currently insufficient to determine the role of this variant in disease. Therefore, it has been classified as a Variant of Uncertain Significance.